The following is an entry in ClinVar:

NM_004656.4(BAP1):c.1782G>T (p.Gly594=)

Gene: BAP1 (BRCA1 associated deubiquitinase 1; minus strand). Cytogenetic location: 3p21.1.
Variant type: single nucleotide variant.
Coding change: c.1782G>T on transcript NM_004656.4 (MANE Select); coding-DNA position 1782, G replaced by T.
Protein change: p.Gly594=; no amino-acid change (glycine 594 retained).
Molecular consequence: synonymous variant.
Genome position (GRCh38, 1-based): chr3:52,403,246, C>A on the plus strand (G>T on the coding strand, the complement: BAP1 is on the minus strand). VCF-style: chr3-52403246-C-A. GRCh37 (hg19) VCF-style: chr3-52437262-C-A.
Other names: c.1728G>T, p.Gly576= (NM_001410772.1).
Identifiers: ClinVar variation 2979511 (VCV002979511.5), dbSNP rs1705026345, ClinGen allele CA433885976.

ClinVar aggregate classification (germline): Benign/Likely benign. Review status: criteria provided, multiple submitters, no conflicts (2 of 4 stars). 3 submissions from 3 submitters: Benign (1); Likely benign (2). Last evaluated 2024-07-17.

Conditions:
BAP1-related tumor predisposition syndrome (TPDS1). Also called: BAP1 tumor predisposition syndrome; COMMON Syndrome; TUMOR PREDISPOSITION SYNDROME 1; Tumor susceptibility linked to germline BAP1 mutations. Identifiers: Orphanet 289539, MedGen C3280492, MONDO:0013692, OMIM 614327.
Hereditary cancer-predisposing syndrome. Also called: Neoplastic Syndromes, Hereditary; Hereditary neoplastic syndrome; Hereditary Cancer Syndrome; Tumor predisposition. Identifiers: Orphanet 140162, MedGen C0027672, MeSH D009386, MONDO:0015356.

Submissions (3):

Myriad Genetics, Inc.
Classification: Benign for BAP1-related tumor predisposition syndrome. Last evaluated: 2024-07-17. Review status: criteria provided, single submitter. Criteria: Myriad Autosomal Dominant, Autosomal Recessive and X-Linked Classification Criteria (2023). Collection method: clinical testing. Allele origin: unknown.
Comment: This variant is considered benign. This variant is a silent/synonymous amino acid change and it is not expected to impact splicing.

Ambry Genetics
Classification: Likely benign for Hereditary cancer-predisposing syndrome. Last evaluated: 2024-04-05. Review status: criteria provided, single submitter. Criteria: Ambry Variant Classification Scheme 2023. Collection method: clinical testing. Allele origin: germline.

Labcorp Genetics (formerly Invitae), Labcorp
Classification: Likely benign for BAP1-related tumor predisposition syndrome. Last evaluated: 2024-01-04. Review status: criteria provided, single submitter. Criteria: Invitae Variant Classification Sherloc (09022015). Collection method: clinical testing. Allele origin: germline.